The following is an entry in ClinVar:

NM_000090.4(COL3A1):c.1150-8A>G

Gene: COL3A1 (collagen type III alpha 1 chain; plus strand). Cytogenetic location: 2q32.2.
Variant type: single nucleotide variant.
Coding change: c.1150-8A>G on transcript NM_000090.4 (MANE Select); 8 bases into the intron before coding-DNA position 1150, A replaced by G.
Molecular consequence: intron variant.
Genome position (GRCh38, 1-based): chr2:188,994,030, A>G. VCF-style: chr2-188994030-A-G. GRCh37 (hg19) VCF-style: chr2-189858756-A-G.
Identifiers: ClinVar variation 3072216 (VCV003072216.2), dbSNP rs755287610, ClinGen allele CA073882.
Genomic context (GRCh38, chr2:188,994,030, plus strand): 5'-AACAACTTCAAATATATACGAACTATTTGCATTACTATTAATACATTATCTGTTTTTTGT[A>G]TACTTAGGGCCCTCCTGGGATTAATGGTAGTCCTGGTGGTAAAGGCGAAATGGTAAGCTG-3'

ClinVar aggregate classification (germline): Likely benign. Review status: criteria provided, multiple submitters, no conflicts (2 of 4 stars). 2 submissions from 2 submitters: Likely benign (2). Last evaluated 2023-06-26.

Conditions:
Familial thoracic aortic aneurysm and aortic dissection (TAAD). Also called: Thoracic aortic aneurysms and dissections. Identifiers: Orphanet 91387, MedGen C4707243, MONDO:0019625.
Ehlers-Danlos syndrome, type 4 (EDSVASC). Also called: Ehlers-Danlos Syndrome Type IV; Ehlers-Danlos syndrome vascular type; Ehlers Danlos syndrome, ecchymotic type; Ehlers Danlos syndrome, arterial type; Ehlers Danlos syndrome, Sack-Barabas type. Identifiers: Orphanet 286, MedGen C0268338, MONDO:0017314, OMIM 130050.

Allele frequency attached by ClinVar (database versions not stated): ExAC 0.00001; gnomAD 0.00001; TOPMed 0.00002.
gnomAD v4.1: 1 of 1,613,434 alleles (0.000062%); highest among the groups gnomAD compares: African/African-American, 0.0013%; no homozygotes.

Submissions (2):

All of Us Research Program, National Institutes of Health
Classification: Likely benign for Ehlers-Danlos syndrome, type 4. Last evaluated: 2023-06-26. Review status: criteria provided, single submitter. Criteria: ACMG Guidelines, 2015. Collection method: clinical testing. Allele origin: germline. Inheritance: Autosomal dominant inheritance. Observed: 1 variant allele, 1 heterozygote.
Comment: This study involves interpretation of variants in research participants for the purpose of population health screening. Participant phenotype was not available at the time of variant classification. Additional details can be found in publication PMID: 35346344, PMCID: PMC8962531

Color Diagnostics, LLC DBA Color Health
Classification: Likely benign for Familial thoracic aortic aneurysm and aortic dissection. Last evaluated: 2023-03-28. Review status: criteria provided, single submitter. Criteria: ACMG Guidelines, 2015. Collection method: clinical testing. Allele origin: germline.